The following is an entry in ClinVar:

NM_031263.4(HNRNPK):c.449T>C (p.Leu150Ser)

Genes: HNRNPK (heterogeneous nuclear ribonucleoprotein K; minus strand), HNRNPK-AS1 (HNRNPK antisense RNA 1; plus strand). Cytogenetic location: 9q21.32.
Variant type: single nucleotide variant.
Coding change: c.449T>C on transcript NM_031263.4 (MANE Select); coding-DNA position 449, T replaced by C.
Protein change: p.Leu150Ser; replaces leucine 150 with serine.
Molecular consequence: missense variant.
Genome position (GRCh38, 1-based): chr9:83,973,353, A>G on the plus strand (T>C on the coding strand, the complement: HNRNPK is on the minus strand). VCF-style: chr9-83973353-A-G. GRCh37 (hg19) VCF-style: chr9-86588268-A-G.
Other names: c.377T>C, p.Leu126Ser (NM_001318186.2, NM_001318187.2); c.449T>C, p.Leu150Ser (NM_001318188.2, NM_002140.5, NM_031262.4); short protein forms L126S, L150S.
Identifiers: ClinVar variation 4891421 (VCV004891421.1).

ClinVar aggregate classification (germline): Likely pathogenic (1 of 4 stars; one submission).

Submission:

GeneDx
Classification: Likely pathogenic. Last evaluated: 2026-02-07. Review status: criteria provided, single submitter. Criteria: GeneDx Variant Classification Process June 2021. Collection method: clinical testing. Allele origin: germline.
Comment: Not observed at significant frequency in large population cohorts (gnomAD); In silico analysis supports that this missense variant has a deleterious effect on protein structure/function; Has not been previously published as pathogenic or benign to our knowledge